The following is an entry in ClinVar:

NM_024721.5(ZFHX4):c.967C>T (p.Gln323Ter)

Gene: ZFHX4 (zinc finger homeobox 4; plus strand). Cytogenetic location: 8q21.13.
Variant type: single nucleotide variant.
Coding change: c.967C>T on transcript NM_024721.5 (MANE Select); coding-DNA position 967, C replaced by T.
Protein change: p.Gln323Ter; replaces glutamine 323 with a stop codon.
Molecular consequence: nonsense.
Genome position (GRCh38, 1-based): chr8:76,705,055, C>T. VCF-style: chr8-76705055-C-T. GRCh37 (hg19) VCF-style: chr8-77617290-C-T.
Other names: c.967C>T, p.Gln323Ter (NM_001410934.1); short protein forms Q323*.
Identifiers: ClinVar variation 3900287 (VCV003900287.1).
Genomic context (GRCh38, chr8:76,705,055, plus strand): 5'-ATGACCCTCAATGACGAGGAGCAGAAGCTCCTCAGTAATAAATGCGTCTCCGCCATAATA[C>T]AGGGGATTGGCAAAGACAAAGAACCTCTTATAAGCTTTCTGGAACCAAAAAAATCCACTT-3'

ClinVar aggregate classification (germline): Uncertain significance (1 of 4 stars; one submission).

Submission:

GeneDx
Classification: Uncertain significance. Last evaluated: 2023-02-23. Review status: criteria provided, single submitter. Criteria: GeneDx Variant Classification Process June 2021. Collection method: clinical testing. Allele origin: germline. Affected: yes.
Comment: Not observed at significant frequency in large population cohorts (gnomAD); Has not been previously published as pathogenic or benign to our knowledge; Variants in candidate genes are classified as variants of uncertain significance in accordance with ACMG guidelines (Richards et al., 2015)